The following is an entry in ClinVar:

NM_000465.4(BARD1):c.1407C>T (p.Cys469=)

Gene: BARD1 (BRCA1 associated RING domain 1; minus strand). Cytogenetic location: 2q35.
Variant type: single nucleotide variant.
Coding change: c.1407C>T on transcript NM_000465.4 (MANE Select); coding-DNA position 1407, C replaced by T.
Protein change: p.Cys469=; no amino-acid change (cysteine 469 retained).
Molecular consequence: synonymous variant. On other transcripts: non-coding transcript variant (3), intron variant (3).
Genome position (GRCh38, 1-based): chr2:214,767,643, G>A on the plus strand (C>T on the coding strand, the complement: BARD1 is on the minus strand). VCF-style: chr2-214767643-G-A. GRCh37 (hg19) VCF-style: chr2-215632367-G-A.
Other names: c.1350C>T, p.Cys450= (NM_001282543.2); c.159-15088C>T (NM_001282548.2); c.216-15088C>T (NM_001282545.2); c.364+24654C>T (NM_001282549.2).
Identifiers: ClinVar variation 1771920 (VCV001771920.6), dbSNP rs1553619349, ClinGen allele CA431129893.
Genomic context (GRCh38, chr2:214,767,643, plus strand): 5'-GGTGTTCACCAATGCCTTATGCTGGAGCAATAATTCCACTACCTTCAGGTGCCCATGATT[G>A]CAAGCTTCATGCTAATTAAATTTTTTGAAAAAGAAGTGAAAGAAGTGATAAGAAAGAGCA-3'
Protein context (NP_000456.2, residues 459-479): HAGWTPLHEA[Cys469=]NHGHLKVVEL

ClinVar aggregate classification (germline): Benign/Likely benign. Review status: criteria provided, multiple submitters, no conflicts (2 of 4 stars). 3 submissions from 3 submitters: Benign (1); Likely benign (2). Last evaluated 2024-07-25.

Conditions:
Hereditary cancer-predisposing syndrome. Also called: Hereditary Cancer Syndrome; Hereditary neoplastic syndrome; Neoplastic Syndromes, Hereditary; Tumor predisposition. Identifiers: Orphanet 140162, MedGen C0027672, MeSH D009386, MONDO:0015356.
Familial cancer of breast. Also called: BREAST CANCER, FAMILIAL; Hereditary breast cancer; hereditary breast carcinoma. Identifiers: Orphanet 227535, MedGen C0346153, MONDO:0016419, OMIM 114480. Disease mechanism: loss of function.

Submissions (3):

Myriad Genetics, Inc.
Classification: Benign for Familial cancer of breast. Last evaluated: 2024-07-25. Review status: criteria provided, single submitter. Criteria: Myriad Autosomal Dominant, Autosomal Recessive and X-Linked Classification Criteria (2023). Collection method: clinical testing. Allele origin: unknown.
Comment: This variant is considered benign. This variant is a silent/synonymous amino acid change and it is not expected to impact splicing.

Labcorp Genetics (formerly Invitae), Labcorp
Classification: Likely benign for Familial cancer of breast. Last evaluated: 2024-07-18. Review status: criteria provided, single submitter. Criteria: Invitae Variant Classification Sherloc (09022015). Collection method: clinical testing. Allele origin: germline.

Ambry Genetics
Classification: Likely benign for Hereditary cancer-predisposing syndrome. Last evaluated: 2021-04-13. Review status: criteria provided, single submitter. Criteria: Ambry Variant Classification Scheme 2023. Collection method: clinical testing. Allele origin: germline.